The following is an entry in ClinVar:

ClinVar aggregate classification (germline): Uncertain significance. Review status: criteria provided, multiple submitters, no conflicts (2 of 4 stars). 2 submissions from 2 submitters: Uncertain significance (2). Last evaluated 2025-01-30.

Conditions:
Inborn genetic diseases. Identifiers: MedGen C0950123, MeSH D030342.

gnomAD v4.1: 36 of 1,614,008 alleles (0.0022%); highest among the groups gnomAD compares: African/African-American, 0.024%; no homozygotes.

Submissions (2):

GeneDx
Classification: Uncertain significance. Last evaluated: 2025-01-30. Review status: criteria provided, single submitter. Criteria: GeneDx Variant Classification Process June 2021. Collection method: clinical testing. Allele origin: germline. Affected: yes.
Comment: In silico analysis supports that this missense variant has a deleterious effect on protein structure/function; Has not been previously published as pathogenic or benign to our knowledge

Ambry Genetics
Classification: Uncertain significance for Inborn genetic diseases. Last evaluated: 2024-09-03. Review status: criteria provided, single submitter. Criteria: Ambry Variant Classification Scheme 2023. Collection method: clinical testing. Allele origin: germline.

NM_005006.7(NDUFS1):c.1613G>C (p.Arg538Pro)

Gene: NDUFS1 (NADH:ubiquinone oxidoreductase core subunit S1; minus strand). Cytogenetic location: 2q33.3.
Variant type: single nucleotide variant.
Coding change: c.1613G>C on transcript NM_005006.7 (MANE Select); coding-DNA position 1613, G replaced by C.
Protein change: p.Arg538Pro; replaces arginine 538 with proline.
Molecular consequence: missense variant.
Genome position (GRCh38, 1-based): chr2:206,130,183, C>G on the plus strand (G>C on the coding strand, the complement: NDUFS1 is on the minus strand). VCF-style: chr2-206130183-C-G. GRCh37 (hg19) VCF-style: chr2-206994907-C-G.
Other names: c.1505G>C, p.Arg502Pro (NM_001199981.2); c.1280G>C, p.Arg427Pro (NM_001199982.2); c.1442G>C, p.Arg481Pro (NM_001199983.2); c.1655G>C, p.Arg552Pro (NM_001199984.2); c.1613G>C (NM_005006.5); short protein forms R538P, R502P, R552P, R427P, R481P.
Identifiers: ClinVar variation 3403907 (VCV003403907.2).